The following is an entry in ClinVar:

ClinVar aggregate classification (germline): Uncertain significance. Review status: criteria provided, multiple submitters, no conflicts (2 of 4 stars). 8 submissions from 8 submitters: Uncertain significance (7). 1 of the submissions does not count toward it. Last evaluated 2025-11-12.

Conditions:
Infantile neuroaxonal dystrophy (NBIA2A). Also called: NEURODEGENERATION WITH BRAIN IRON ACCUMULATION 2A; SEITELBERGER DISEASE; Infantile neuroaxonal dystrophy 1. Identifiers: Orphanet 35069, MedGen C0270724, MONDO:0024457, OMIM 256600.
Neurodegeneration with brain iron accumulation 2B. Also called: NEUROAXONAL DYSTROPHY, ATYPICAL; NEURODEGENERATION WITH BRAIN IRON ACCUMULATION, PLA2G6-RELATED; aNAD; atypical Neuroaxonal Dystrophy (aNAD). Identifiers: Orphanet 35069, MedGen C1857747, MONDO:0012444, OMIM 610217.
Inborn genetic diseases. Identifiers: MedGen C0950123, MeSH D030342.
Autosomal recessive Parkinson disease 14. Also called: PARKINSON DISEASE 14; DYSTONIA-PARKINSONISM, ADULT-ONSET. Identifiers: Orphanet 199351, MedGen C2751842, MONDO:0013060, OMIM 612953.

Allele frequency attached by ClinVar (database versions not stated): gnomAD 0.00003 and 0.00004; gnomAD exomes 0.00006 and 0.00002; ExAC 0.00008; TOPMed 0.00008.
gnomAD v4.1: 38 of 1,610,740 alleles (0.0024%); highest among the groups gnomAD compares: Middle Eastern, 0.14%; no homozygotes.

Submissions (8):

Ambry Genetics
Classification: Uncertain significance for Inborn genetic diseases. Last evaluated: 2025-11-12. Review status: criteria provided, single submitter. Criteria: Ambry Variant Classification Scheme 2023. Collection method: clinical testing. Allele origin: germline.

3billion
Classification: Uncertain significance for Neurodegeneration with brain iron accumulation 2B. Last evaluated: 2025-03-28. Review status: criteria provided, single submitter. Criteria: ACMG Guidelines, 2015. Collection method: clinical testing. Allele origin: germline. Affected: yes.

Revvity Omics, Revvity
Classification: Uncertain significance. Last evaluated: 2023-11-01. Review status: criteria provided, single submitter. Criteria: ACMG Guidelines, 2015. Collection method: clinical testing. Allele origin: germline.

Mayo Clinic Laboratories, Mayo Clinic
Classification: Uncertain significance. Last evaluated: 2023-02-23. Review status: criteria provided, single submitter. Criteria: ACMG Guidelines, 2015. Collection method: clinical testing. Allele origin: germline. Observed: 1 variant allele.
Comment: BP4, PM2

Labcorp Genetics (formerly Invitae), Labcorp
Classification: Uncertain significance for Infantile neuroaxonal dystrophy. Last evaluated: 2022-06-22. Review status: criteria provided, single submitter. Criteria: Invitae Variant Classification Sherloc (09022015). Collection method: clinical testing. Allele origin: germline.
Comment: This sequence change replaces arginine, which is basic and polar, with histidine, which is basic and polar, at codon 132 of the PLA2G6 protein (p.Arg132His). This variant is present in population databases (rs763734863, gnomAD 0.01%). This variant has not been reported in the literature in individuals affected with PLA2G6-related conditions. ClinVar contains an entry for this variant (Variation ID: 1050696). Advanced modeling of protein sequence and biophysical properties (such as structural, functional, and spatial information, amino acid conservation, physicochemical variation, residue mobility, and thermodynamic stability) performed at Invitae indicates that this missense variant is expected to disrupt PLA2G6 protein function. In summary, the available evidence is currently insufficient to determine the role of this variant in disease. Therefore, it has been classified as a Variant of Uncertain Significance.

Fulgent Genetics
Classification: Uncertain significance for Infantile neuroaxonal dystrophy; Neurodegeneration with brain iron accumulation 2B; Autosomal recessive Parkinson disease 14. Last evaluated: 2021-07-13. Review status: criteria provided, single submitter. Criteria: ACMG Guidelines, 2015. Collection method: clinical testing. Allele origin: unknown.

Neuberg Centre For Genomic Medicine, NCGM
Classification: Uncertain significance for Infantile neuroaxonal dystrophy. Review status: criteria provided, single submitter. Criteria: ACMG Guidelines, 2015. Collection method: clinical testing. Allele origin: germline. Inheritance: Autosomal recessive inheritance. Affected: yes.
Comment: The missense c.395G>A (p.Arg132His) variant in PLA2G6 gene has not been reported previously as a pathogenic variant nor as a benign variant, to our knowledge. The p.Arg132His is reported with an allele frequency of 0.006% in the gnomAD exomes database and is novel (not in any individuals) in 1000 Genomes database. This variant has been reported to the ClinVar database as Uncertain Significance (multiple submissions). The amino acid change p.Arg132His in PLA2G6 is predicted as conserved by GERP++ and PhyloP across 100 vertebrates. The amino acid Arg at position 132 is changed to a His changing protein sequence and it might alter its composition and physico-chemical properties. For these reasons, this variant has been classified as a Variant of Uncertain Significance (VUS).

Department of Pathology and Laboratory Medicine, Sinai Health System
Classification: Uncertain significance. Review status: no assertion criteria provided. Collection method: clinical testing. Allele origin: unknown. Affected: yes. Study: The Canadian Open Genetics Repository (COGR). Not counted in ClinVar's aggregate classification.
Comment: The PLA2G6 Â¬â€ p.R132H variant was not identified in the literature nor was it identified in ClinVar. The variant was identified in dbSNP (ID: rs763734863) and in control databases in 14 of 245322 chromosomes at a frequency of 0.00005707 (Genome Aggregation Database March 6, 2019, v2.1.1). The p.R132 residue is conserved in mammals and computational analyses (MUT Assesor, PolyPhen-2, SIFT, MutationTaster, Revel, FATHMM, MetaLR, DANN) provide inconsistent predictions regarding the impact to the protein; this information is not very predictive of pathogenicity. The variant occurs outside of the splicing consensus sequence and in silico or computational prediction software programs (Splice AI exome) do not predict a difference in splicing. In summary, based on the above information the clinical significance of this variant cannot be determined with certainty at this time. This variant is classified as a variant of uncertain significance.

NM_003560.4(PLA2G6):c.395G>A (p.Arg132His)

Gene: PLA2G6 (phospholipase A2 group VI; minus strand). Cytogenetic location: 22q13.1.
Variant type: single nucleotide variant.
Coding change: c.395G>A on transcript NM_003560.4 (MANE Select); coding-DNA position 395, G replaced by A.
Protein change: p.Arg132His; replaces arginine 132 with histidine.
Molecular consequence: missense variant. On other transcripts: 5 prime UTR variant (3).
Genome position (GRCh38, 1-based): chr22:38,145,468, C>T on the plus strand (G>A on the coding strand, the complement: PLA2G6 is on the minus strand). VCF-style: chr22-38145468-C-T. GRCh37 (hg19) VCF-style: chr22-38541475-C-T.
Other names: p.Arg132His; c.395G>A (NM_003560.2); c.395G>A, p.Arg132His (NM_001004426.3, NM_001199562.3, NM_001349864.2 and 2 more transcripts); c.-140G>A (NM_001349867.2, NM_001349869.2); c.-96G>A (NM_001349868.2); short protein forms R132H.
Identifiers: ClinVar variation 1050696 (VCV001050696.13), dbSNP rs763734863, ClinGen allele CA10231285.